The following is an entry in ClinVar:

ClinVar aggregate classification (germline): Uncertain significance (1 of 4 stars; one submission).

Conditions:
Hereditary cancer-predisposing syndrome. Also called: Tumor predisposition; Hereditary neoplastic syndrome; Hereditary Cancer Syndrome; Neoplastic Syndromes, Hereditary. Identifiers: Orphanet 140162, MedGen C0027672, MeSH D009386, MONDO:0015356.

Submission:

Ambry Genetics
Classification: Uncertain significance for Hereditary cancer-predisposing syndrome. Last evaluated: 2025-04-03. Review status: criteria provided, single submitter. Criteria: Ambry Variant Classification Scheme 2023. Collection method: clinical testing. Allele origin: germline.
Comment: The p.M377I variant (also known as c.1131G>A), located in coding exon 10 of the SMARCE1 gene, results from a G to A substitution at nucleotide position 1131. The methionine at codon 377 is replaced by isoleucine, an amino acid with highly similar properties. This amino acid position is conserved. In addition, this alteration is predicted to be tolerated by in silico analysis. Based on the available evidence, the clinical significance of this variant remains unclear.

NM_003079.5(SMARCE1):c.1131G>A (p.Met377Ile)

Gene: SMARCE1 (SWI/SNF related BAF chromatin remodeling complex subunit E1; minus strand). Cytogenetic location: 17q21.2.
Variant type: single nucleotide variant.
Coding change: c.1131G>A on transcript NM_003079.5 (MANE Select); coding-DNA position 1131, G replaced by A.
Protein change: p.Met377Ile; replaces methionine 377 with isoleucine.
Molecular consequence: missense variant.
Genome position (GRCh38, 1-based): chr17:40,628,890, C>T on the plus strand (G>A on the coding strand, the complement: SMARCE1 is on the minus strand). VCF-style: chr17-40628890-C-T. GRCh37 (hg19) VCF-style: chr17-38785142-C-T.
Other names: short protein forms M377I.
Identifiers: ClinVar variation 3958592 (VCV003958592.1).